The following is an entry in ClinVar:

NM_000343.4(SLC5A1):c.1065C>A (p.Cys355Ter)

Gene: SLC5A1 (solute carrier family 5 member 1; plus strand). Cytogenetic location: 22q12.3.
Variant type: single nucleotide variant.
Coding change: c.1065C>A on transcript NM_000343.4 (MANE Select); coding-DNA position 1065, C replaced by A.
Protein change: p.Cys355Ter; replaces cysteine 355 with a stop codon.
Molecular consequence: nonsense.
Genome position (GRCh38, 1-based): chr22:32,086,263, C>A. VCF-style: chr22-32086263-C-A. GRCh37 (hg19) VCF-style: chr22-32482250-C-A.
Other names: c.684C>A, p.Cys228Ter (NM_001256314.2); short protein forms C228*, C355*.
Identifiers: ClinVar variation 4725887 (VCV004725887.1).

ClinVar aggregate classification (germline): Pathogenic (1 of 4 stars; one submission).

Conditions:
Congenital glucose-galactose malabsorption (GGM). Also called: MONOSACCHARIDE MALABSORPTION; DIARRHEA 16. Identifiers: Orphanet 35710, MedGen C0268186, MONDO:0011731, OMIM 606824.

Submission:

Labcorp Genetics (formerly Invitae), Labcorp
Classification: Pathogenic for Congenital glucose-galactose malabsorption. Last evaluated: 2025-08-23. Review status: criteria provided, single submitter. Criteria: Invitae Variant Classification Sherloc (09022015). Collection method: clinical testing. Allele origin: germline.
Comment: This sequence change creates a premature translational stop signal (p.Cys355*) in the SLC5A1 gene. It is expected to result in an absent or disrupted protein product. Loss-of-function variants in SLC5A1 are known to be pathogenic (PMID: 8563765). This variant is not present in population databases (gnomAD no frequency). This variant has not been reported in the literature in individuals affected with SLC5A1-related conditions. For these reasons, this variant has been classified as Pathogenic.

Literature cited by the submitters: PubMed 8563765.